The following is an entry in ClinVar:

ClinVar aggregate classification (germline): Uncertain significance. Review status: criteria provided, multiple submitters, no conflicts (2 of 4 stars). 2 submissions from 2 submitters: Uncertain significance (2). Last evaluated 2025-08-02.

Conditions:
ROBO1-related disorder. Also called: ROBO1-related condition.

gnomAD v4.1: 36 of 1,613,106 alleles (0.0022%); highest among the groups gnomAD compares: Non-Finnish European, 0.003%; no homozygotes.

Submissions (2):

Labcorp Genetics (formerly Invitae), Labcorp
Classification: Uncertain significance. Last evaluated: 2025-08-02. Review status: criteria provided, single submitter. Criteria: Invitae Variant Classification Sherloc (09022015). Collection method: clinical testing. Allele origin: germline.
Comment: This sequence change replaces proline, which is neutral and non-polar, with leucine, which is neutral and non-polar, at codon 1190 of the ROBO1 protein (p.Pro1190Leu). The frequency data for this variant in the population databases is considered unreliable, as metrics indicate poor data quality at this position in the gnomAD database. This variant has not been reported in the literature in individuals affected with ROBO1-related conditions. Invitae Evidence Modeling of protein sequence and biophysical properties (such as structural, functional, and spatial information, amino acid conservation, physicochemical variation, residue mobility, and thermodynamic stability) indicates that this missense variant is expected to disrupt ROBO1 protein function with a positive predictive value of 95%. In summary, the available evidence is currently insufficient to determine the role of this variant in disease. Therefore, it has been classified as a Variant of Uncertain Significance.

PreventionGenetics, part of Exact Sciences
Classification: Uncertain significance for ROBO1-related condition. Last evaluated: 2025-02-17. Review status: criteria provided, single submitter. Criteria: ACMG Guidelines, 2015. Collection method: clinical testing. Allele origin: germline.
Comment: The ROBO1 c.3569C>T variant is predicted to result in the amino acid substitution p.Pro1190Leu. To our knowledge, this variant has not been reported in the literature. This variant is reported in 0.0023% of alleles in individuals of European (Non-Finnish) descent in gnomAD. At this time, the clinical significance of this variant is uncertain due to the absence of conclusive functional and genetic evidence.

NM_002941.4(ROBO1):c.3569C>T (p.Pro1190Leu)

Gene: ROBO1 (roundabout guidance receptor 1; minus strand). Cytogenetic location: 3p12.3.
Variant type: single nucleotide variant.
Coding change: c.3569C>T on transcript NM_002941.4 (MANE Select); coding-DNA position 3569, C replaced by T.
Protein change: p.Pro1190Leu; replaces proline 1190 with leucine.
Molecular consequence: missense variant.
Genome position (GRCh38, 1-based): chr3:78,631,218, G>A on the plus strand (C>T on the coding strand, the complement: ROBO1 is on the minus strand). VCF-style: chr3-78631218-G-A. GRCh37 (hg19) VCF-style: chr3-78680368-G-A.
Other names: c.3269C>T, p.Pro1090Leu (NM_001145845.2); c.3434C>T, p.Pro1145Leu (NM_133631.4); c.3569C>T (NM_002941.3); short protein forms P1145L, P1090L, P1190L.
Identifiers: ClinVar variation 4751343 (VCV004751343.2).
Genomic context (GRCh38, chr3:78,631,218, plus strand): 5'-TACCTTTCATCTACAGAAATGTTGTACTCTTCGCTATTGCTGTGTGGAGGAGGATGTGCT[G>A]GGGGAGGAGGAAGCAGGTCTGCCCAGTTCATGCCACCCTGTTTTGGTACCTTGGGTGTTC-3'
Protein context (NP_002932.1, residues 1180-1200): MNWADLLPPP[Pro1190Leu]AHPPPHSNSE